The following is an entry in ClinVar:

NM_001035.3(RYR2):c.9946A>G (p.Lys3316Glu)

Gene: RYR2 (ryanodine receptor 2; plus strand). Cytogenetic location: 1q43.
Variant type: single nucleotide variant.
Coding change: c.9946A>G on transcript NM_001035.3 (MANE Select); coding-DNA position 9946, A replaced by G.
Protein change: p.Lys3316Glu; replaces lysine 3316 with glutamic acid.
Molecular consequence: missense variant.
Genome position (GRCh38, 1-based): chr1:237,708,902, A>G. VCF-style: chr1-237708902-A-G. GRCh37 (hg19) VCF-style: chr1-237872202-A-G.
Other names: short protein forms K3316E.
Identifiers: ClinVar variation 3894380 (VCV003894380.1).
Genomic context (GRCh38, chr1:237,708,902, plus strand): 5'-GTCTGTCTTTAAACAGTGTTTTCCCAGCCTATAATAAATAAAGTGAAACCTCAGCTCTTG[A>G]AAACTCATTTCTTGCCGTTAATGGAGAAACTCAAGAAAAAGGCAGCTACGGTGGTGTCTG-3'
Protein context (NP_001026.2, residues 3306-3326): IINKVKPQLL[Lys3316Glu]THFLPLMEKL

ClinVar aggregate classification (germline): Uncertain significance (1 of 4 stars; one submission).

Conditions:
Cardiomyopathy (CMYO). Also called: Cardiomyopathies. Identifiers: Orphanet 167848, MedGen C0878544, MONDO:0004994, HP:0001638. Inheritance: Various modes of inheritance.

gnomAD v4.1: 12 of 1,612,260 alleles (0.00074%); highest among the groups gnomAD compares: Non-Finnish European, 0.00093%; no homozygotes.

Submission:

Color Diagnostics, LLC DBA Color Health
Classification: Uncertain significance for Cardiomyopathy. Last evaluated: 2023-08-23. Review status: criteria provided, single submitter. Criteria: ACMG Guidelines, 2015. Collection method: clinical testing. Allele origin: germline.
Comment: This missense variant replaces lysine with glutamic acid at codon 3316 of the RYR2 protein. Computational prediction suggests that this variant may not impact protein structure and function (internally defined REVEL score threshold <= 0.5, PMID: 27666373). To our knowledge, functional studies have not been reported for this variant. This variant has not been reported in individuals affected with RYR2-related disorders in the literature. This variant has been identified in 4/246410 chromosomes in the general population by the Genome Aggregation Database (gnomAD). The available evidence is insufficient to determine the role of this variant in disease conclusively. Therefore, this variant is classified as a Variant of Uncertain Significance.